The following is an entry in ClinVar:

NM_017649.5(CNNM2):c.*3C>T

Gene: CNNM2 (cyclin and CBS domain divalent metal cation transport mediator 2; plus strand). Cytogenetic location: 10q24.32.
Variant type: single nucleotide variant.
Coding change: c.*3C>T on transcript NM_017649.5 (MANE Select); 3 bases downstream of the stop codon, C replaced by T.
Molecular consequence: 3 prime UTR variant.
Genome position (GRCh38, 1-based): chr10:103,077,183, C>T. VCF-style: chr10-103077183-C-T. GRCh37 (hg19) VCF-style: chr10-104836940-C-T.
Other names: c.*3C>T (NM_199076.3).
Identifiers: ClinVar variation 298651 (VCV000298651.10), dbSNP rs2296568, ClinGen allele CA5670661.
Genomic context (GRCh38, chr10:103,077,183, plus strand): 5'-GAACTGTGTGACGCACAGTAAGGCCAACCACAGCCTGCACAACGAAGGCGCCATCTAGGC[C>T]GCGCTGGCTGCACCCGCCCAGGCCCGCACCCGCCCAGTCCCGAGGGCCCGGCCCTGTCTG-3'

ClinVar aggregate classification (germline): Benign. Review status: criteria provided, multiple submitters, no conflicts (2 of 4 stars). 5 submissions from 5 submitters: Benign (5). Last evaluated 2026-05-05.

Conditions:
Renal hypomagnesemia 6. Identifiers: Orphanet 34527, MedGen C3151295, MONDO:0013480, OMIM 613882.

Allele frequency attached by ClinVar (database versions not stated): 1000 Genomes Project 30x 0.07620; 1000 Genomes Project 0.07708; TOPMed 0.09917; gnomAD 0.10693 and 0.10834; ESP Exome Variant Server 0.10779; ExAC 0.11458; gnomAD exomes 0.11664 and 0.13212.
gnomAD v4.1: 208,773 of 1,611,014 alleles (13%); highest among the groups gnomAD compares: Non-Finnish European, 14%; 14,997 homozygotes.

Submissions (5):

Revvity Omics, Revvity
Classification: Benign. Last evaluated: 2026-05-05. Review status: criteria provided, single submitter. Criteria: ACMG Guidelines, 2015. Collection method: clinical testing. Allele origin: germline.

Mayo Clinic Laboratories, Mayo Clinic
Classification: Benign. Last evaluated: 2022-03-09. Review status: criteria provided, single submitter. Criteria: ACMG Guidelines, 2015. Collection method: clinical testing. Allele origin: germline. Observed: 38 variant alleles.

GeneDx
Classification: Benign. Last evaluated: 2018-11-10. Review status: criteria provided, single submitter. Criteria: GeneDx Variant Classification Process June 2021. Collection method: clinical testing. Allele origin: germline. Affected: yes.

Illumina Laboratory Services, Illumina
Classification: Benign for Renal hypomagnesemia 6. Last evaluated: 2018-01-13. Review status: criteria provided, single submitter. Criteria: ICSL Variant Classification Criteria 13 December 2019. Collection method: clinical testing. Allele origin: germline.
Comment: This variant was observed in the ICSL laboratory as part of a predisposition screen in an ostensibly healthy population. It had not been previously curated by ICSL or reported in the Human Gene Mutation Database (HGMD: prior to June 1st, 2018), and was therefore a candidate for classification through an automated scoring system. Utilizing variant allele frequency, disease prevalence and penetrance estimates, and inheritance mode, an automated score was calculated to assess if this variant is too frequent to cause the disease. Based on the score and internal cut-off values, a variant classified as benign is not then subjected to further curation. The score for this variant resulted in a classification of benign for this disease.

Breakthrough Genomics
Classification: Benign. Review status: criteria provided, single submitter. Criteria: ACMG Guidelines, 2015. Collection method: not provided. Allele origin: germline. Inheritance: Autosomal dominant inheritance. Affected: yes.